The following is an entry in ClinVar:

ClinVar aggregate classification (germline): Uncertain significance (1 of 4 stars; one submission).

Conditions:
Inborn genetic diseases. Identifiers: MedGen C0950123, MeSH D030342.

gnomAD v4.1: 1 of 1,611,186 alleles (0.000062%); highest among the groups gnomAD compares: Non-Finnish European, 0.000085%; no homozygotes.

Submission:

Ambry Genetics
Classification: Uncertain significance for Inborn genetic diseases. Last evaluated: 2025-01-28. Review status: criteria provided, single submitter. Criteria: Ambry Variant Classification Scheme 2023. Collection method: clinical testing. Allele origin: germline.
Comment: The p.V64I variant (also known as c.190G>A) is located in coding exon 3 of the FANCA gene. The valine at codon 64 is replaced by isoleucine, an amino acid with highly similar properties. This change occurs in the first base pair of coding exon 3. This amino acid position is conserved. In addition, this alteration is predicted to be tolerated by in silico analysis. Based on the available evidence, the clinical significance of this variant remains unclear.

NM_000135.4(FANCA):c.190G>A (p.Val64Ile)

Gene: FANCA (FA complementation group A; minus strand). Cytogenetic location: 16q24.3.
Variant type: single nucleotide variant.
Coding change: c.190G>A on transcript NM_000135.4 (MANE Select); coding-DNA position 190, G replaced by A.
Protein change: p.Val64Ile; replaces valine 64 with isoleucine.
Molecular consequence: missense variant.
Genome position (GRCh38, 1-based): chr16:89,814,613, C>T on the plus strand (G>A on the coding strand, the complement: FANCA is on the minus strand). VCF-style: chr16-89814613-C-T. GRCh37 (hg19) VCF-style: chr16-89881021-C-T.
Other names: c.190G>A, p.Val64Ile (NM_001018112.3, NM_001286167.3, NM_001351830.2); short protein forms V64I.
Identifiers: ClinVar variation 3848156 (VCV003848156.1).